The following is an entry in ClinVar:

ClinVar aggregate classification (germline): Uncertain significance (1 of 4 stars; one submission).

Allele frequency attached by ClinVar (database versions not stated): gnomAD exomes below 0.00001; gnomAD 0.00001; TOPMed 0.00003.
gnomAD v4.1: 5 of 1,116,076 alleles (0.00045%); highest among the groups gnomAD compares: Admixed American, 0.016%; no homozygotes.

Submission:

Labcorp Genetics (formerly Invitae), Labcorp
Classification: Uncertain significance. Last evaluated: 2022-06-13. Review status: criteria provided, single submitter. Criteria: Invitae Variant Classification Sherloc (09022015). Collection method: clinical testing. Allele origin: germline.
Comment: In summary, the available evidence is currently insufficient to determine the role of this variant in disease. Therefore, it has been classified as a Variant of Uncertain Significance. Algorithms developed to predict the effect of missense changes on protein structure and function output the following: SIFT: "Tolerated"; PolyPhen-2: "Benign"; Align-GVGD: "Class C0". The serine amino acid residue is found in multiple mammalian species, which suggests that this missense change does not adversely affect protein function. This variant has not been reported in the literature in individuals affected with CARMIL2-related conditions. The frequency data for this variant in the population databases is considered unreliable, as metrics indicate insufficient coverage at this position in the gnomAD database. This sequence change replaces proline, which is neutral and non-polar, with serine, which is neutral and polar, at codon 1000 of the CARMIL2 protein (p.Pro1000Ser).

NM_001013838.3(CARMIL2):c.2998C>T (p.Pro1000Ser)

Gene: CARMIL2 (capping protein regulator and myosin 1 linker 2; plus strand). Cytogenetic location: 16q22.1.
Variant type: single nucleotide variant.
Coding change: c.2998C>T on transcript NM_001013838.3 (MANE Select); coding-DNA position 2998, C replaced by T.
Protein change: p.Pro1000Ser; replaces proline 1000 with serine.
Molecular consequence: missense variant.
Genome position (GRCh38, 1-based): chr16:67,653,132, C>T. VCF-style: chr16-67653132-C-T. GRCh37 (hg19) VCF-style: chr16-67687035-C-T.
Other names: c.2890C>T, p.Pro964Ser (NM_001317026.3); short protein forms P964S, P1000S.
Identifiers: ClinVar variation 1924584 (VCV001924584.3), dbSNP rs2052761600, ClinGen allele CA396343010.